The following is an entry in ClinVar:

ClinVar aggregate classification (germline): Uncertain significance (1 of 4 stars; one submission).

Conditions:
MHC class II deficiency. Also called: Bare lymphocyte syndrome 2; BLS, TYPE II. Identifiers: Orphanet 572, MedGen C5447452, MONDO:0008855.

Submission:

Labcorp Genetics (formerly Invitae), Labcorp
Classification: Uncertain significance for MHC class II deficiency. Last evaluated: 2022-06-24. Review status: criteria provided, single submitter. Criteria: Invitae Variant Classification Sherloc (09022015). Collection method: clinical testing. Allele origin: germline.
Comment: This variant, c.1984_1992dup, results in the insertion of 3 amino acid(s) of the CIITA protein (p.Lys662_Ala664dup), but otherwise preserves the integrity of the reading frame. This variant has not been reported in the literature in individuals affected with CIITA-related conditions. This variant is not present in population databases (gnomAD no frequency). In summary, the available evidence is currently insufficient to determine the role of this variant in disease. Therefore, it has been classified as a Variant of Uncertain Significance.

NM_000246.4(CIITA):c.1984_1992dup (p.Ala664_Trp665insLysLeuAla)

Gene: CIITA (class II major histocompatibility complex transactivator; plus strand). Cytogenetic location: 16p13.13.
Variant type: Duplication.
Coding change: c.1984_1992dup on transcript NM_000246.4 (MANE Select); coding-DNA positions 1984 to 1992, 9 bases duplicated (AAGCTGGCC; older notation c.1984_1992dupAAGCTGGCC).
Protein change: p.Ala664_Trp665insLysLeuAla.
Molecular consequence: inframe insertion. On other transcripts: intron variant (1).
Genome position (GRCh38, 1-based): chr16:10,907,476-10,907,484, AAGCTGGCC duplicated; duplicating any 9 consecutive bases within chr16:10,907,468-10,907,484 gives the same sequence; the c. name uses the placement nearest the transcript's 3' end. VCF-style (leftmost placement, unchanged base first): chr16-10907467-G-GAGCTGGCCA. GRCh37 (hg19) VCF-style: chr16-11001324-G-GAGCTGGCCA.
Other names: c.1987_1995dup, p.Ala665_Trp666insLysLeuAla (NM_001286402.1, NM_001379332.1); c.1840_1848dup, p.Ala616_Trp617insLysLeuAla (NM_001379330.1); c.1837_1845dup, p.Ala615_Trp616insLysLeuAla (NM_001379331.1); c.1984_1992dup, p.Ala664_Trp665insLysLeuAla (NM_001379333.1); c.1915_1923dup, p.Ala641_Trp642insLysLeuAla (NM_001379334.1); c.860-1507_860-1499dup (NM_001286403.2).
Identifiers: ClinVar variation 2010381 (VCV002010381.4), dbSNP rs2544487738, ClinGen allele CA2580090681.